The following is an entry in ClinVar:

ClinVar aggregate classification (germline): Benign/Likely benign. Review status: criteria provided, multiple submitters, no conflicts (2 of 4 stars). 2 submissions from 2 submitters: Benign (1); Likely benign (1). Last evaluated 2025-02-26.

Conditions:
Hereditary cancer-predisposing syndrome. Also called: Neoplastic Syndromes, Hereditary; Tumor predisposition; Hereditary Cancer Syndrome; Hereditary neoplastic syndrome. Identifiers: Orphanet 140162, MedGen C0027672, MeSH D009386, MONDO:0015356.
Multiple endocrine neoplasia type 2A. Also called: Multiple Endocrine Neoplasia Type 2A (MEN2A); MULTIPLE ENDOCRINE NEOPLASIA, TYPE IIA; PTC SYNDROME; SIPPLE SYNDROME; MEN 2A; MEN-2A syndrome. Identifiers: Orphanet 247698, Orphanet 653, MedGen C0025268, MeSH D018813, MONDO:0008234, OMIM 171400.

Allele frequency attached by ClinVar (database versions not stated): gnomAD 0.00001.

Submissions (2):

Myriad Genetics, Inc.
Classification: Benign for Multiple endocrine neoplasia type 2A. Last evaluated: 2025-02-26. Review status: criteria provided, single submitter. Criteria: Myriad Autosomal Dominant, Autosomal Recessive and X-Linked Classification Criteria (2023). Collection method: clinical testing. Allele origin: unknown.
Comment: This variant is considered benign. This variant is a silent/synonymous amino acid change and it is not expected to impact splicing.

Ambry Genetics
Classification: Likely benign for Hereditary cancer-predisposing syndrome. Last evaluated: 2021-02-12. Review status: criteria provided, single submitter. Criteria: Ambry Variant Classification Scheme 2023. Collection method: clinical testing. Allele origin: germline.

NM_020975.6(RET):c.1885C>T (p.Leu629=)

Gene: RET (ret proto-oncogene; plus strand). Cytogenetic location: 10q11.21.
Variant type: single nucleotide variant.
Coding change: c.1885C>T on transcript NM_020975.6 (MANE Select); coding-DNA position 1885, C replaced by T.
Protein change: p.Leu629=; no amino-acid change (leucine 629 retained).
Molecular consequence: synonymous variant. On other transcripts: intron variant (4).
Genome position (GRCh38, 1-based): chr10:43,114,485, C>T. VCF-style: chr10-43114485-C-T. GRCh37 (hg19) VCF-style: chr10-43609933-C-T.
Other names: c.1885C>T, p.Leu629= (NM_000323.2, NM_001406743.1, NM_001406744.1 and 4 more transcripts); c.1123C>T, p.Leu375= (NM_001355216.2); c.1756C>T, p.Leu586= (NM_001406761.1, NM_001406762.1, NM_001406764.1); c.1597C>T, p.Leu533= (NM_001406766.1, NM_001406767.1, NM_001406770.1); c.1489C>T, p.Leu497= (NM_001406769.1, NM_001406772.1); c.1447C>T, p.Leu483= (NM_001406771.1, NM_001406773.1); c.1360C>T, p.Leu454= (NM_001406774.1); c.1159C>T, p.Leu387= (NM_001406775.1, NM_001406776.1, NM_001406777.1 and 1 more transcripts); and 10 more.
Identifiers: ClinVar variation 1781969 (VCV001781969.3), dbSNP rs1406953595, ClinGen allele CA469479563.